The following is an entry in ClinVar:

ClinVar aggregate classification (germline): Pathogenic. Review status: criteria provided, multiple submitters, no conflicts (2 of 4 stars). 5 submissions from 5 submitters: Pathogenic (4). 1 of the submissions does not count toward it. Last evaluated 2024-03-30.

Conditions:
Fanconi anemia (FA). Also called: Fanconi's anemia. Identifiers: Orphanet 84, MedGen C0015625, MeSH D005199, MONDO:0019391.
Fanconi anemia complementation group A (FANCA). Also called: Fanconi anemia, group A; FANCA-Related Fanconi Anemia. Identifiers: Orphanet 84, MedGen C3469521, MONDO:0009215, OMIM 227650.

Submissions (5):

Baylor Genetics
Classification: Pathogenic for Fanconi anemia complementation group A. Last evaluated: 2024-03-30. Review status: criteria provided, single submitter. Criteria: ACMG Guidelines, 2015. Collection method: clinical testing. Allele origin: unknown.

Genomic Medicine Center of Excellence, King Faisal Specialist Hospital and Research Centre
Classification: Pathogenic for Fanconi anemia complementation group A. Last evaluated: 2024-03-26. Review status: criteria provided, single submitter. Criteria: ACMG Guidelines, 2015. Collection method: clinical testing. Allele origin: germline.

Women's Health and Genetics/Laboratory Corporation of America, LabCorp
Classification: Pathogenic for Fanconi anemia. Last evaluated: 2023-12-21. Review status: criteria provided, single submitter. Criteria: LabCorp Variant Classification Summary - May 2015. Collection method: clinical testing. Allele origin: germline.
Comment: Variant summary: FANCA c.1464C>G (p.Tyr488X) results in a premature termination codon, predicted to cause a truncation of the encoded protein or absence of the protein due to nonsense mediated decay, which are commonly known mechanisms for disease. Variants downstream of this position have been classified as pathogenic by our laboratory. The variant was absent in 251398 control chromosomes (gnomAD). c.1464C>G has been reported in the literature in at-least one individual affected with Fanconi Anemia (example: Ameziane_2008). The following publication has been ascertained in the context of this evaluation (PMID: 22720145). One submitter has cited assessments for this variant to ClinVar after 2014 and has classified the variant as pathogenic. Based on the evidence outlined above, the variant was classified as pathogenic.

Labcorp Genetics (formerly Invitae), Labcorp
Classification: Pathogenic for Fanconi anemia. Last evaluated: 2023-10-13. Review status: criteria provided, single submitter. Criteria: Invitae Variant Classification Sherloc (09022015). Collection method: clinical testing. Allele origin: germline.
Comment: This sequence change creates a premature translational stop signal (p.Tyr488*) in the FANCA gene. It is expected to result in an absent or disrupted protein product. Loss-of-function variants in FANCA are known to be pathogenic (PMID: 19367192). This variant is not present in population databases (gnomAD no frequency). This premature translational stop signal has been observed in individual(s) with Fanconi anemia and/or inherited bone marrow failure syndrome (PMID: 17924555, 33718801). ClinVar contains an entry for this variant (Variation ID: 974213). For these reasons, this variant has been classified as Pathogenic.

Leiden Open Variation Database
Classification: Pathogenic for Fanconi anemia complementation group A. Last evaluated: 2020-02-28. Review status: no assertion criteria provided. Collection method: curation. Allele origin: germline. Affected: yes. Not counted in ClinVar's aggregate classification.
Comment: Curator: Arleen D. Auerbach. Submitter to LOVD: Johan de Winter.

Literature cited by the submitters: PubMed 22720145 (cited by Women's Health and Genetics/Laboratory Corporation of America, LabCorp); PubMed 19367192 (cited by Labcorp Genetics (formerly Invitae), Labcorp); PubMed 17924555 (cited by Labcorp Genetics (formerly Invitae), Labcorp and Leiden Open Variation Database); PubMed 33718801 (cited by Labcorp Genetics (formerly Invitae), Labcorp).

NM_000135.4(FANCA):c.1464C>G (p.Tyr488Ter)

Gene: FANCA (FA complementation group A; minus strand). Cytogenetic location: 16q24.3.
Variant type: single nucleotide variant.
Coding change: c.1464C>G on transcript NM_000135.4 (MANE Select); coding-DNA position 1464, C replaced by G.
Protein change: p.Tyr488Ter; replaces tyrosine 488 with a stop codon.
Molecular consequence: nonsense.
Genome position (GRCh38, 1-based): chr16:89,784,860, G>C on the plus strand (C>G on the coding strand, the complement: FANCA is on the minus strand). VCF-style: chr16-89784860-G-C. GRCh37 (hg19) VCF-style: chr16-89851268-G-C.
Other names: c.1464C>G, p.Tyr488Ter (NM_001286167.3); short protein forms Y488*.
Identifiers: ClinVar variation 974213 (VCV000974213.7), dbSNP rs2039844441, ClinGen allele CA397459605.
Genomic context (GRCh38, chr16:89,784,860, plus strand): 5'-TGCAGCAGGTGAGCGAAGCACCAGAAATCATGGATGTGGCAGCCAGCTTCTCACCTGCAG[G>C]TACCGGGGAGACTCAAAAGGCACGAGTTCTGACAAGAACGTAAACAGGAAGACCAGGGCC-3'